The following is an entry in ClinVar:

ClinVar aggregate classification (germline): Likely benign (1 of 4 stars; one submission).

Conditions:
PCSK1-related disorder. Also called: PCSK1-related condition.

gnomAD v4.1: 41 of 1,614,172 alleles (0.0025%); highest among the groups gnomAD compares: Non-Finnish European, 0.0033%; no homozygotes.

Submission:

PreventionGenetics, part of Exact Sciences
Classification: Likely benign for PCSK1-related condition. Last evaluated: 2025-02-14. Review status: criteria provided, single submitter. Criteria: ACMG Guidelines, 2015. Collection method: clinical testing. Allele origin: germline.
Comment: This variant is classified as likely benign based on ACMG/AMP sequence variant interpretation guidelines (Richards et al. 2015 PMID: 25741868, with internal and published modifications).

NM_000439.5(PCSK1):c.117C>A (p.Ile39=)

Genes: CAST (calpastatin; plus strand), PCSK1 (proprotein convertase subtilisin/kexin type 1; minus strand), LOC101929710 (uncharacterized LOC101929710; plus strand). Cytogenetic location: 5q15.
Variant type: single nucleotide variant.
Coding change: c.117C>A on transcript NM_000439.5 (MANE Select); coding-DNA position 117, C replaced by A.
Protein change: p.Ile39=; no amino-acid change (isoleucine 39 retained).
Molecular consequence: synonymous variant. On other transcripts: intron variant (11).
Genome position (GRCh38, 1-based): chr5:96,432,926, G>T on the plus strand (C>A on the coding strand, the complement: PCSK1 is on the minus strand). VCF-style: chr5-96432926-G-T. GRCh37 (hg19) VCF-style: chr5-95768630-G-T.
Other names: c.-175+53274G>T (NM_001423254.1, NM_001423259.1, NM_001423255.1 and 6 more transcripts); c.-103+53274G>T (NM_001423253.1); c.-40+53274G>T (NM_001423258.1).
Identifiers: ClinVar variation 4981522 (VCV004981522.1).